The following is an entry in ClinVar:

NM_000179.3(MSH6):c.2258C>A (p.Ser753Tyr)

Gene: MSH6 (mutS homolog 6; plus strand). Cytogenetic location: 2p16.3.
Variant type: single nucleotide variant.
Coding change: c.2258C>A on transcript NM_000179.3 (MANE Select); coding-DNA position 2258, C replaced by A.
Protein change: p.Ser753Tyr; replaces serine 753 with tyrosine.
Molecular consequence: missense variant.
Genome position (GRCh38, 1-based): chr2:47,800,241, C>A. VCF-style: chr2-47800241-C-A. GRCh37 (hg19) VCF-style: chr2-48027380-C-A.
Other names: c.1868C>A, p.Ser623Tyr (NM_001281492.2); c.1352C>A, p.Ser451Tyr (NM_001281493.2, NM_001281494.2); short protein forms S753Y, S623Y, S451Y.
Identifiers: ClinVar variation 525741 (VCV000525741.12), dbSNP rs876660934, ClinGen allele CA346752728.
Genomic context (GRCh38, chr2:47,800,241, plus strand): 5'-TGGTGCTAGATGCAGTGACATTAAACAACTTGGAGATTTTTCTGAATGGAACAAATGGTT[C>A]TACTGAAGGAACCCTACTAGAGAGGGTTGATACTTGCCATACTCCTTTTGGTAAGCGGCT-3'
Protein context (NP_000170.1, residues 743-763): LEIFLNGTNG[Ser753Tyr]TEGTLLERVD

ClinVar aggregate classification (germline): Uncertain significance. Review status: criteria provided, multiple submitters, no conflicts (2 of 4 stars). 4 submissions from 4 submitters: Uncertain significance (4). Last evaluated 2026-02-20.

Conditions:
Endometrial carcinoma. Also called: Endometrial carcinoma, somatic. Identifiers: MedGen C0476089, MONDO:0002447, OMIM 608089, HP:0012114.
Mismatch repair cancer syndrome 3. Identifiers: MedGen C5436807, MONDO:0030841, OMIM 619097.
Lynch syndrome 5 (LYNCH5). Also called: Colorectal cancer, hereditary nonpolyposis, type 5; Hereditary non-polyposis colorectal cancer, type 5. Identifiers: Orphanet 144, MedGen C1833477, MONDO:0013710, OMIM 614350. Disease mechanism: loss of function.
Hereditary nonpolyposis colorectal neoplasms. Identifiers: MedGen C0009405, MeSH D003123.
Hereditary cancer-predisposing syndrome. Also called: Tumor predisposition; Hereditary Cancer Syndrome; Neoplastic Syndromes, Hereditary; Hereditary neoplastic syndrome. Identifiers: Orphanet 140162, MedGen C0027672, MeSH D009386, MONDO:0015356.

Submissions (4):

Ambry Genetics
Classification: Uncertain significance for Hereditary cancer-predisposing syndrome. Last evaluated: 2026-02-20. Review status: criteria provided, single submitter. Criteria: Ambry Variant Classification Scheme 2023. Collection method: clinical testing. Allele origin: germline.
Comment: The p.S753Y variant (also known as c.2258C>A), located in coding exon 4 of the MSH6 gene, results from a C to A substitution at nucleotide position 2258. The serine at codon 753 is replaced by tyrosine, an amino acid with dissimilar properties. This amino acid position is conserved. In addition, the in silico prediction for this alteration is inconclusive. Based on the available evidence, the clinical significance of this variant remains unclear.

Labcorp Genetics (formerly Invitae), Labcorp
Classification: Uncertain significance for Hereditary nonpolyposis colorectal neoplasms. Last evaluated: 2024-08-21. Review status: criteria provided, single submitter. Criteria: Invitae Variant Classification Sherloc (09022015). Collection method: clinical testing. Allele origin: germline.
Comment: This sequence change replaces serine, which is neutral and polar, with tyrosine, which is neutral and polar, at codon 753 of the MSH6 protein (p.Ser753Tyr). This variant is not present in population databases (gnomAD no frequency). This variant has not been reported in the literature in individuals affected with MSH6-related conditions. ClinVar contains an entry for this variant (Variation ID: 525741). Invitae Evidence Modeling of protein sequence and biophysical properties (such as structural, functional, and spatial information, amino acid conservation, physicochemical variation, residue mobility, and thermodynamic stability) has been performed for this missense variant. However, the output from this modeling did not meet the statistical confidence thresholds required to predict the impact of this variant on MSH6 protein function. In summary, the available evidence is currently insufficient to determine the role of this variant in disease. Therefore, it has been classified as a Variant of Uncertain Significance.

Fulgent Genetics
Classification: Uncertain significance for Endometrial carcinoma; Lynch syndrome 5; Mismatch repair cancer syndrome 3. Last evaluated: 2024-02-28. Review status: criteria provided, single submitter. Criteria: ACMG Guidelines, 2015. Collection method: clinical testing. Allele origin: germline.

Department of Pathology and Laboratory Medicine, Sinai Health System
Classification: Uncertain significance for Mismatch repair cancer syndrome 3. Last evaluated: 2023-10-18. Review status: criteria provided, single submitter. Criteria: ACMG Guidelines, 2015. Collection method: clinical testing. Allele origin: germline. Affected: yes.